The following is an entry in ClinVar:

NM_001297.5(CNGB1):c.581C>T (p.Pro194Leu)

Gene: CNGB1 (cyclic nucleotide gated channel subunit beta 1; minus strand). Cytogenetic location: 16q21.
Variant type: single nucleotide variant.
Coding change: c.581C>T on transcript NM_001297.5 (MANE Select); coding-DNA position 581, C replaced by T.
Protein change: p.Pro194Leu; replaces proline 194 with leucine.
Molecular consequence: missense variant. On other transcripts: intron variant (1).
Genome position (GRCh38, 1-based): chr16:57,960,484, G>A on the plus strand (C>T on the coding strand, the complement: CNGB1 is on the minus strand). VCF-style: chr16-57960484-G-A. GRCh37 (hg19) VCF-style: chr16-57994388-G-A.
Other names: c.581C>T, p.Pro194Leu (NM_001135639.2); c.565+16C>T (NM_001286130.2); short protein forms P194L.
Identifiers: ClinVar variation 1023862 (VCV001023862.8), dbSNP rs1272010203, ClinGen allele CA396078017.

ClinVar aggregate classification (germline): Uncertain significance (1 of 4 stars; one submission).

Allele frequency attached by ClinVar (database versions not stated): gnomAD exomes below 0.00001; TOPMed 0.00001.
gnomAD v4.1: 2 of 1,613,516 alleles (0.00012%); highest among the groups gnomAD compares: South Asian, 0.0011%; no homozygotes.

Submission:

Labcorp Genetics (formerly Invitae), Labcorp
Classification: Uncertain significance. Last evaluated: 2020-01-31. Review status: criteria provided, single submitter. Criteria: Invitae Variant Classification Sherloc (09022015). Collection method: clinical testing. Allele origin: germline.
Comment: This sequence change replaces proline with leucine at codon 194 of the CNGB1 protein (p.Pro194Leu). The proline residue is weakly conserved and there is a moderate physicochemical difference between proline and leucine. This variant is not present in population databases (ExAC no frequency). This variant has not been reported in the literature in individuals with CNGB1-related conditions. Algorithms developed to predict the effect of missense changes on protein structure and function are either unavailable or do not agree on the potential impact of this missense change (SIFT: "Tolerated"; PolyPhen-2: "Possibly Damaging"; Align-GVGD: "Class C0"). In summary, the available evidence is currently insufficient to determine the role of this variant in disease. Therefore, it has been classified as a Variant of Uncertain Significance.